The following is an entry in ClinVar:

NM_014270.5(SLC7A9):c.698A>T (p.Asp233Val)

Gene: SLC7A9 (solute carrier family 7 member 9; minus strand). Cytogenetic location: 19q13.11.
Variant type: single nucleotide variant.
Coding change: c.698A>T on transcript NM_014270.5 (MANE Select); coding-DNA position 698, A replaced by T.
Protein change: p.Asp233Val; replaces aspartic acid 233 with valine.
Molecular consequence: missense variant.
Genome position (GRCh38, 1-based): chr19:32,862,124, T>A on the plus strand (A>T on the coding strand, the complement: SLC7A9 is on the minus strand). VCF-style: chr19-32862124-T-A. GRCh37 (hg19) VCF-style: chr19-33353030-T-A.
Other names: c.698A>T, p.Asp233Val (NM_001126335.2, NM_001243036.2); short protein forms D233V.
Identifiers: ClinVar variation 2501635 (VCV002501635.2), dbSNP rs1968815987, ClinGen allele CA405202369.

ClinVar aggregate classification (germline): Uncertain significance (1 of 4 stars; one submission).

Submission:

GeneDx
Classification: Uncertain significance. Last evaluated: 2023-05-26. Review status: criteria provided, single submitter. Criteria: GeneDx Variant Classification Process June 2021. Collection method: clinical testing. Allele origin: germline. Affected: yes.
Comment: Not observed at significant frequency in large population cohorts (gnomAD); In silico analysis supports that this missense variant has a deleterious effect on protein structure/function; Has not been previously published as pathogenic or benign to our knowledge